The following is an entry in ClinVar:

NM_177438.3(DICER1):c.876_879del (p.Arg293fs)

Gene: DICER1 (dicer 1, ribonuclease III; minus strand). Cytogenetic location: 14q32.13.
Variant type: Microsatellite.
Coding change: c.876_879del on transcript NM_177438.3 (MANE Select); coding-DNA positions 876 to 879, 4 bases deleted (AAGA; older notation c.876_879delAAGA).
Protein change: p.Arg293fs; shifts the reading frame from arginine 293.
Molecular consequence: frameshift variant.
Genome position (GRCh38, 1-based): chr14:95,126,604-95,126,607, TCTT deleted on the plus strand (AAGA on the coding strand, the reverse complement: DICER1 is on the minus strand); deleting any 4 consecutive bases within chr14:95,126,604-95,126,612 gives the same sequence; the c. name uses the placement nearest the transcript's 3' end. VCF-style (leftmost placement, unchanged base first): chr14-95126603-CTCTT-C. GRCh37 (hg19) VCF-style: chr14-95592940-CTCTT-C.
Other names: c.876_879del, p.Arg293fs (NM_001195573.1, NM_001271282.3, NM_001291628.2 and 1 more transcripts); short protein forms R293fs.
Identifiers: ClinVar variation 933002 (VCV000933002.7), dbSNP rs1893478668, ClinGen allele CA2156317650.
Genomic context (GRCh38, chr14:95,126,603, plus strand): 5'-AAAATATAATCACTATACCTACTTGGTATATGCTTACCTGTTTCGAAATTAAAGTAGAAT[CTCTT>C]TCTTTTGAATGTACAGATATATTACAATCATTGATAAAATTAAGTGCTTCTTCTAATTCC-3'

ClinVar aggregate classification (germline): Pathogenic. Review status: criteria provided, multiple submitters, no conflicts (2 of 4 stars). 4 submissions from 4 submitters: Pathogenic (4). Last evaluated 2026-06-30.

Conditions:
DICER1-related tumor predisposition. Also called: DICER1-related pleuropulmonary blastoma cancer predisposition syndrome; DICER1 syndrome. Identifiers: Orphanet 284343, MedGen C3839822, MONDO:0100216.
Hereditary cancer-predisposing syndrome. Also called: Tumor predisposition; Hereditary Cancer Syndrome; Hereditary neoplastic syndrome; Neoplastic Syndromes, Hereditary. Identifiers: Orphanet 140162, MedGen C0027672, MeSH D009386, MONDO:0015356.

Submissions (4):

Myriad Genetics, Inc.
Classification: Pathogenic for DICER1-related tumor predisposition. Last evaluated: 2026-06-30. Review status: criteria provided, single submitter. Criteria: Myriad Autosomal Dominant, Autosomal Recessive and X-Linked Classification Criteria (2023). Collection method: clinical testing. Allele origin: unknown.
Comment: This variant is considered pathogenic. This variant creates a frameshift predicted to result in premature protein truncation.

Labcorp Genetics (formerly Invitae), Labcorp
Classification: Pathogenic for DICER1-related tumor predisposition. Last evaluated: 2025-03-20. Review status: criteria provided, single submitter. Criteria: Invitae Variant Classification Sherloc (09022015). Collection method: clinical testing. Allele origin: germline.
Comment: This sequence change creates a premature translational stop signal (p.Arg293Ilefs*4) in the DICER1 gene. It is expected to result in an absent or disrupted protein product. Loss-of-function variants in DICER1 are known to be pathogenic (PMID: 19556464, 21266384). This variant is not present in population databases (gnomAD no frequency). This premature translational stop signal has been observed in individual(s) with DICER1 syndrome (PMID: 21205968, 26925222). This variant is also known as c.871_874delAAAG. For these reasons, this variant has been classified as Pathogenic.

Ambry Genetics
Classification: Pathogenic for Hereditary cancer-predisposing syndrome. Last evaluated: 2023-07-13. Review status: criteria provided, single submitter. Criteria: Ambry Variant Classification Scheme 2023. Collection method: clinical testing. Allele origin: germline.
Comment: The c.876_879delAAGA pathogenic mutation, located in coding exon 6 of the DICER1 gene, results from a deletion of 4 nucleotides at nucleotide positions 876 to 879, causing a translational frameshift with a predicted alternate stop codon (p.R293Ifs*4). This variant is considered to be rare based on population cohorts in the Genome Aggregation Database (gnomAD). This alteration is expected to result in loss of function by premature protein truncation or nonsense-mediated mRNA decay. As such, this alteration is interpreted as a disease-causing mutation.

Foulkes Cancer Genetics LDI, Lady Davis Institute for Medical Research
Classification: Pathogenic for Pleuropulmonary blastoma. Last evaluated: 2019-07-01. Review status: criteria provided, single submitter. Criteria: ACMG Guidelines, 2015. Collection method: curation. Allele origin: germline. Affected: yes. Observed: 4 variant alleles.
Comment: ACMG criteria met: PVS1, PM2, PP1, PP4

Literature cited by the submitters: PubMed 19556464 (cited by Labcorp Genetics (formerly Invitae), Labcorp); PubMed 21266384 (cited by Labcorp Genetics (formerly Invitae), Labcorp); PubMed 21205968 (cited by Labcorp Genetics (formerly Invitae), Labcorp and Foulkes Cancer Genetics LDI, Lady Davis Institute for Medical Research); PubMed 26925222 (cited by Labcorp Genetics (formerly Invitae), Labcorp).